The following is an entry in ClinVar:

ClinVar aggregate classification (germline): Uncertain significance (1 of 4 stars; one submission).

Conditions:
Marfan syndrome (MFS). Also called: MARFAN SYNDROME, TYPE I; Marfan syndrome type 1; Marfan's syndrome; Marfan syndrome, classic; FBN1-Related Marfan Syndrome. Identifiers: Orphanet 284963, Orphanet 558, MedGen C0024796, MONDO:0007947, OMIM 154700.
Familial thoracic aortic aneurysm and aortic dissection (TAAD). Also called: Thoracic aortic aneurysms and dissections. Identifiers: Orphanet 91387, MedGen C4707243, MONDO:0019625.

Submission:

Labcorp Genetics (formerly Invitae), Labcorp
Classification: Uncertain significance for Marfan syndrome; Familial thoracic aortic aneurysm and aortic dissection. Last evaluated: 2020-12-03. Review status: criteria provided, single submitter. Criteria: Invitae Variant Classification Sherloc (09022015). Collection method: clinical testing. Allele origin: germline.
Comment: Algorithms developed to predict the effect of missense changes on protein structure and function are either unavailable or do not agree on the potential impact of this missense change (SIFT: "Deleterious"; PolyPhen-2: "Probably Damaging"; Align-GVGD: "Class C0"). In summary, the available evidence is currently insufficient to determine the role of this variant in disease. Therefore, it has been classified as a Variant of Uncertain Significance. This variant disrupts the p.Asp2127 (also known as p.Asp1229) amino acid residue in FBN1. Other variant(s) that disrupt this residue have been observed in individuals with FBN1-related conditions (PMID: 8136837, 20538085), which suggests that this may be a clinically significant amino acid residue. This variant has been observed in individual(s) with Marfan syndrome (Invitae). This variant is not present in population databases (ExAC no frequency). This sequence change replaces aspartic acid with alanine at codon 2127 of the FBN1 protein (p.Asp2127Ala). The aspartic acid residue is highly conserved and there is a moderate physicochemical difference between aspartic acid and alanine.

Literature cited by the submitters: PubMed 8136837; PubMed 20538085.

NM_000138.5(FBN1):c.6380A>C (p.Asp2127Ala)

Gene: FBN1 (fibrillin 1; minus strand). Cytogenetic location: 15q21.1.
Variant type: single nucleotide variant.
Coding change: c.6380A>C on transcript NM_000138.5 (MANE Select); coding-DNA position 6380, A replaced by C.
Protein change: p.Asp2127Ala; replaces aspartic acid 2127 with alanine.
Molecular consequence: missense variant.
Genome position (GRCh38, 1-based): chr15:48,437,077, T>G on the plus strand (A>C on the coding strand, the complement: FBN1 is on the minus strand). VCF-style: chr15-48437077-T-G. GRCh37 (hg19) VCF-style: chr15-48729274-T-G.
Other names: short protein forms D2127A.
Identifiers: ClinVar variation 1427197 (VCV001427197.8), dbSNP rs2141240523, ClinGen allele CA392336722.
Genomic context (GRCh38, chr15:48,437,077, plus strand): 5'-CCATCTGTATTGATGCACTGTCCATGTTTACAGACATCGGGTTCTTTGCATTCGTCCATA[T>G]CTTAAGCAAGAGAAAAAAAATAGTGAATAACAAGGTATTTTTTAAACGTGAAGATAAATT-3'
Protein context (NP_000129.3, residues 2117-2137): IIVGPDDSAV[Asp2127Ala]MDECKEPDVC